The following is an entry in ClinVar:

ClinVar aggregate classification (germline): Uncertain significance (1 of 4 stars; one submission).

Conditions:
Intellectual developmental disorder, autosomal dominant 52. Also called: Intellectual disability, autosomal dominant 52; Mental retardation, autosomal dominant 52. Identifiers: MedGen C4540478, MONDO:0030918, OMIM 617796.

Submission:

Juno Genomics, Hangzhou Juno Genomics, Inc
Classification: Uncertain significance for Intellectual developmental disorder, autosomal dominant 52. Review status: criteria provided, single submitter. Criteria: ACMG Guidelines, 2015. Collection method: clinical testing. Allele origin: germline.
Comment: Absent from controls (or at extremely low frequency if recessive) in Genome Aggregation Database.;Missense variant in a gene that has a low rate of benign missense variation.

NM_018489.3(ASH1L):c.2494A>G (p.Lys832Glu)

Gene: ASH1L (ASH1 like histone lysine methyltransferase; minus strand). Cytogenetic location: 1q22.
Variant type: single nucleotide variant.
Coding change: c.2494A>G on transcript NM_018489.3 (MANE Select); coding-DNA position 2494, A replaced by G.
Protein change: p.Lys832Glu; replaces lysine 832 with glutamic acid.
Molecular consequence: missense variant.
Genome position (GRCh38, 1-based): chr1:155,480,376, T>C on the plus strand (A>G on the coding strand, the complement: ASH1L is on the minus strand). VCF-style: chr1-155480376-T-C. GRCh37 (hg19) VCF-style: chr1-155450167-T-C.
Other names: c.2494A>G, p.Lys832Glu (NM_001366177.2); short protein forms K832E.
Identifiers: ClinVar variation 5007887 (VCV005007887.2).